The following is an entry in ClinVar:

ClinVar aggregate classification (germline): Pathogenic. Review status: criteria provided, multiple submitters, no conflicts (2 of 4 stars). 4 submissions from 4 submitters: Pathogenic (3). 1 of the submissions does not count toward it. Last evaluated 2025-03-19.

Conditions:
Early-infantile DEE. Also called: Ohtahara syndrome; Early infantile epileptic encephalopathy with suppression bursts; Early infantile epileptic encephalopathy. Identifiers: Orphanet 1934, MedGen C0393706, MONDO:0800491.
Severe myoclonic epilepsy in infancy (DRVT). Also called: DEVELOPMENTAL AND EPILEPTIC ENCEPHALOPATHY 6A; Severe Myoclonic Epilepsy in Infancy (SMEI); Epileptic encephalopathy, early infantile, 6 (Dravet syndrome); SEVERE MYOCLONIC EPILEPSY OF INFANCY; Dravet syndrome. Identifiers: Orphanet 33069, MedGen C0751122, MONDO:0100135, OMIM 607208.

Submissions (5):

Labcorp Genetics (formerly Invitae), Labcorp
Classification: Pathogenic for Early-infantile DEE. Last evaluated: 2025-03-19. Review status: criteria provided, single submitter. Criteria: Invitae Variant Classification Sherloc (09022015). Collection method: clinical testing. Allele origin: germline.
Comment: This sequence change replaces glycine, which is neutral and non-polar, with arginine, which is basic and polar, at codon 979 of the SCN1A protein (p.Gly979Arg). This variant is not present in population databases (gnomAD no frequency). This missense change has been observed in individuals with SCN1A-related conditions (PMID: 12566275; internal data). ClinVar contains an entry for this variant (Variation ID: 68609). Invitae Evidence Modeling of protein sequence and biophysical properties (such as structural, functional, and spatial information, amino acid conservation, physicochemical variation, residue mobility, and thermodynamic stability) indicates that this missense variant is expected to disrupt SCN1A protein function with a positive predictive value of 95%. Experimental studies have shown that this missense change affects SCN1A function (PMID: 12837571, 16210358). This variant disrupts the p.Gly979 amino acid residue in SCN1A. Other variant(s) that disrupt this residue have been determined to be pathogenic (PMID: 17347258). This suggests that this residue is clinically significant, and that variants that disrupt this residue are likely to be disease-causing. For these reasons, this variant has been classified as Pathogenic.

CeGaT Center for Human Genetics Tuebingen
Classification: Pathogenic. Last evaluated: 2021-12-01. Review status: criteria provided, single submitter. Criteria: CeGaT Center For Human Genetics Tuebingen Variant Classification Criteria Version 2. Collection method: clinical testing. Allele origin: germline. Affected: yes. Observed: 1 variant allele.

GeneDx
Classification: Pathogenic. Last evaluated: 2017-08-01. Review status: criteria provided, single submitter. Criteria: GeneDx Variant Classification (06012015). Collection method: clinical testing. Allele origin: germline. Affected: yes.
Comment: The G979R pathogenic variant in the SCN1A gene has been previously reported in an individual with intractable childhood epilepsy with generlaized tonic-clonic seizures (ICEGTC) (Fujiwara et al., 2003). Functional studies have demonstrated that G979R leads to impaired channel function (Sugawara at al., 2003, Rhodes et al., 2005). The G979R variant is not observed in large population cohorts (Lek et al., 2016; 1000 Genomes Consortium et al., 2015; Exome Variant Server). The G979R variant is a non-conservative amino acid substitution, which is likely to impact secondary protein structure as these residues differ in polarity, charge, size and/or other properties. This substitution alters a conserved position predicted to be within the transmembrane segment S6 of the second homologous domain. Missense variants in nearby residues (M976I, V977M, V982L) have been reported in the Human Gene Mutation Database in association with SCN1A-related disorders (Stenson et al., 2014), supporting the functional importance of this region of the protein. Therefore, based on the currently available information, this variant is classified as pathogenic and it's presence is consistent with the diagnosis in this individual.

Channelopathy-Associated Epilepsy Research Center
No classification provided (evidence only). Condition: Severe myoclonic epilepsy in infancy. Review status: no classification provided. Collection method: literature only. Allele origin: not applicable. Functional consequence: Absence of peak current. Not counted in ClinVar's aggregate classification.
ClinVar note: "not provided" was previously submitted as the classification for the variant. However, the classification appeared to be based only on an observation of functional data so it was converted to no classification on 2025-07-30.

UniProtKB/Swiss-Prot
No classification provided. Condition: Severe myoclonic epilepsy in infancy. Review status: no classification provided. Collection method: not provided. Allele origin: germline. Not counted in ClinVar's aggregate classification.
Comment: Intractable childhood epilepsy with generalized tonic-clonic seizures

Literature cited by the submitters: PubMed 12566275 (cited by Labcorp Genetics (formerly Invitae), Labcorp); PubMed 12837571 (cited by Labcorp Genetics (formerly Invitae), Labcorp); PubMed 16210358 (cited by Labcorp Genetics (formerly Invitae), Labcorp and Channelopathy-Associated Epilepsy Research Center); PubMed 17347258 (cited by Labcorp Genetics (formerly Invitae), Labcorp).

NM_001165963.4(SCN1A):c.2935G>A (p.Gly979Arg)

Gene: SCN1A (sodium voltage-gated channel alpha subunit 1; minus strand). Cytogenetic location: 2q24.3.
Variant type: single nucleotide variant.
Coding change: c.2935G>A on transcript NM_001165963.4 (MANE Select); coding-DNA position 2935, G replaced by A.
Protein change: p.Gly979Arg; replaces glycine 979 with arginine.
Molecular consequence: missense variant. On other transcripts: non-coding transcript variant (1).
Genome position (GRCh38, 1-based): chr2:166,037,787, C>T on the plus strand (G>A on the coding strand, the complement: SCN1A is on the minus strand). VCF-style: chr2-166037787-C-T. GRCh37 (hg19) VCF-style: chr2-166894297-C-T.
Other names: c.2851G>A, p.Gly951Arg (NM_001165964.3, NM_001353957.2, NM_001353958.2); c.2935G>A, p.Gly979Arg (NM_001202435.3, NM_001353948.2); c.2902G>A, p.Gly968Arg (NM_001353949.2, NM_001353950.2, NM_001353951.2 and 2 more transcripts); c.2899G>A, p.Gly967Arg (NM_001353954.2, NM_001353955.2); c.2848G>A, p.Gly950Arg (NM_001353960.2); c.493G>A, p.Gly165Arg (NM_001353961.2); short protein forms G968R, G979R, G165R, G951R, G967R, G950R.
Identifiers: ClinVar variation 68609 (VCV000068609.39), dbSNP rs121918754, ClinGen allele CA285111.